The following is an entry in ClinVar:

ClinVar aggregate classification (germline): Uncertain significance (1 of 4 stars; one submission).

Submission:

Labcorp Genetics (formerly Invitae), Labcorp
Classification: Uncertain significance. Last evaluated: 2024-07-07. Review status: criteria provided, single submitter. Criteria: Invitae Variant Classification Sherloc (09022015). Collection method: clinical testing. Allele origin: germline.
Comment: This sequence change falls in intron 6 of the FGFRL1 gene. It does not directly change the encoded amino acid sequence of the FGFRL1 protein. It affects a nucleotide within the consensus splice site. This variant is present in population databases (rs762504292, gnomAD 0.009%). This variant has not been reported in the literature in individuals affected with FGFRL1-related conditions. Variants that disrupt the consensus splice site are a relatively common cause of aberrant splicing (PMID: 17576681, 9536098). Algorithms developed to predict the effect of sequence changes on RNA splicing suggest that this variant is not likely to affect RNA splicing. In summary, the available evidence is currently insufficient to determine the role of this variant in disease. Therefore, it has been classified as a Variant of Uncertain Significance.

Literature cited by the submitters: PubMed 17576681; PubMed 9536098.

NM_001004356.3(FGFRL1):c.1072+4C>A

Gene: FGFRL1 (fibroblast growth factor receptor like 1; plus strand). Cytogenetic location: 4p16.3.
Variant type: single nucleotide variant.
Coding change: c.1072+4C>A on transcript NM_001004356.3 (MANE Select); 4 bases into the intron after coding-DNA position 1072, C replaced by A.
Molecular consequence: intron variant.
Genome position (GRCh38, 1-based): chr4:1,024,668, C>A. VCF-style: chr4-1024668-C-A. GRCh37 (hg19) VCF-style: chr4-1018456-C-A.
Other names: c.1072+4C>A (NM_001004358.1, NM_001370296.1, NM_021923.3).
Identifiers: ClinVar variation 3632755 (VCV003632755.2).